The following is an entry in ClinVar:

NM_000159.4(GCDH):c.1298C>A (p.Ala433Glu)

Genes: GCDH (glutaryl-CoA dehydrogenase; plus strand), SYCE2 (synaptonemal complex central element protein 2; minus strand), LOC126862860 (BRD4-independent group 4 enhancer GRCh37_chr19:13010146-13011345; plus strand). Cytogenetic location: 19p13.13.
Variant type: single nucleotide variant.
Coding change: c.1298C>A on transcript NM_000159.4 (MANE Select); coding-DNA position 1298, C replaced by A.
Protein change: p.Ala433Glu; replaces alanine 433 with glutamic acid.
Molecular consequence: missense variant. On other transcripts: non-coding transcript variant (2), intron variant (2).
Genome position (GRCh38, 1-based): chr19:12,899,522, C>A. VCF-style: chr19-12899522-C-A. GRCh37 (hg19) VCF-style: chr19-13010336-C-A.
Other names: c.1244-178C>A (NM_013976.5); c.613-137G>T (NM_001105578.2); short protein forms A433E.
Identifiers: ClinVar variation 660506 (VCV000660506.12), dbSNP rs933624223, ClinGen allele CA404322251.

ClinVar aggregate classification (germline): Pathogenic/Likely pathogenic. Review status: criteria provided, multiple submitters, no conflicts (2 of 4 stars). 4 submissions from 4 submitters: Pathogenic (1); Likely pathogenic (3). Last evaluated 2025-02-04.

Conditions:
Glutaric aciduria, type 1. Also called: Glutaric Acidemia Type 1; Glutaric acidemia type I; Glutaricaciduria, type I; GA I; Glutaricacidemia Type 1; Glutaryl-CoA dehydrogenase deficiency. Identifiers: Orphanet 25, MedGen C0268595, MONDO:0009281, OMIM 231670.

Allele frequency attached by ClinVar (database versions not stated): TOPMed 0.00001.
gnomAD v4.1: 3 of 1,614,136 alleles (0.00019%); highest among the groups gnomAD compares: Non-Finnish European, 0.00025%; no homozygotes.

Submissions (4):

Myriad Genetics, Inc.
Classification: Likely pathogenic for Glutaric aciduria, type 1. Last evaluated: 2025-02-04. Review status: criteria provided, single submitter. Criteria: Myriad Autosomal Dominant, Autosomal Recessive and X-Linked Classification Criteria (2023). Collection method: clinical testing. Allele origin: unknown.
Comment: NM_000159.2(GCDH):c.1298C>A(A433E) is a missense variant classified as likely pathogenic in the context of glutaric acidemia, GCDH-related. A433E has been observed in a case with relevant disease (PMID: 9600243). Relevant functional assessments of this variant are available in the literature (PMID: 37685964). Internal structural analysis of the variant is supportive of pathogenicity. A433E has not been observed in referenced population frequency databases. In summary, NM_000159.2(GCDH):c.1298C>A(A433E) is a missense variant that has internal structural support for pathogenicity and has been observed more frequently in cases with the relevant disease than in healthy populations. Please note: this variant was assessed in the context of healthy population screening.

Labcorp Genetics (formerly Invitae), Labcorp
Classification: Pathogenic for Glutaric aciduria, type 1. Last evaluated: 2024-12-09. Review status: criteria provided, single submitter. Criteria: Invitae Variant Classification Sherloc (09022015). Collection method: clinical testing. Allele origin: germline.
Comment: This sequence change replaces alanine, which is neutral and non-polar, with glutamic acid, which is acidic and polar, at codon 433 of the GCDH protein (p.Ala433Glu). This variant is not present in population databases (gnomAD no frequency). This missense change has been observed in individual(s) with glutaric acidemia type I (PMID: 9600243; internal data). ClinVar contains an entry for this variant (Variation ID: 660506). Invitae Evidence Modeling of protein sequence and biophysical properties (such as structural, functional, and spatial information, amino acid conservation, physicochemical variation, residue mobility, and thermodynamic stability) indicates that this missense variant is expected to disrupt GCDH protein function with a positive predictive value of 95%. This variant disrupts the p.Ala433 amino acid residue in GCDH. Other variant(s) that disrupt this residue have been determined to be pathogenic (PMID: 10960496, 21176883, 29201125, 31952437). This suggests that this residue is clinically significant, and that variants that disrupt this residue are likely to be disease-causing. For these reasons, this variant has been classified as Pathogenic.

Baylor Genetics
Classification: Likely pathogenic for Glutaric aciduria, type 1. Last evaluated: 2023-09-30. Review status: criteria provided, single submitter. Criteria: ACMG Guidelines, 2015. Collection method: clinical testing. Allele origin: unknown.

Women's Health and Genetics/Laboratory Corporation of America, LabCorp
Classification: Likely pathogenic for Glutaric aciduria, type 1. Last evaluated: 2022-07-20. Review status: criteria provided, single submitter. Criteria: LabCorp Variant Classification Summary - May 2015. Collection method: clinical testing. Allele origin: germline.
Comment: Variant summary: GCDH c.1298C>A (p.Ala433Glu) results in a non-conservative amino acid change in the encoded protein sequence. Five of five in-silico tools predict a damaging effect of the variant on protein function. The variant was absent in 251312 control chromosomes (gnomAD). c.1298C>A has been reported in the literature in at least one compound heterozygous individual affected with Glutaric Acidemia Type 1, who exhibited residual GCDH activity of <0.5% in cultured fibroblasts (Schwartz_1998). A ClinVar submitter (evaluation after 2014) cites the variant as pathogenic. Based on the evidence outlined above, the variant was classified as likely pathogenic.

Literature cited by the submitters: PubMed 37685964 (cited by Myriad Genetics, Inc.); PubMed 9600243 (cited by 3 submitters); PubMed 10960496 (cited by Labcorp Genetics (formerly Invitae), Labcorp); PubMed 21176883 (cited by Labcorp Genetics (formerly Invitae), Labcorp); PubMed 29201125 (cited by Labcorp Genetics (formerly Invitae), Labcorp); PubMed 31952437 (cited by Labcorp Genetics (formerly Invitae), Labcorp).